The following is an entry in ClinVar:

ClinVar aggregate classification (germline): Uncertain significance. Review status: criteria provided, multiple submitters, no conflicts (2 of 4 stars). 2 submissions from 2 submitters: Uncertain significance (2). Last evaluated 2023-12-26.

Conditions:
Inborn genetic diseases. Identifiers: MedGen C0950123, MeSH D030342.

Allele frequency attached by ClinVar (database versions not stated): ExAC 0.00001; gnomAD exomes 0.00001; gnomAD 0.00002; TOPMed 0.00002; 1000 Genomes Project 30x 0.00016; 1000 Genomes Project 0.00020.
gnomAD v4.1: 15 of 1,611,440 alleles (0.00093%); highest among the groups gnomAD compares: Admixed American, 0.01%; no homozygotes.

Submissions (2):

Ambry Genetics
Classification: Uncertain significance for Inborn genetic diseases. Last evaluated: 2023-12-26. Review status: criteria provided, single submitter. Criteria: Ambry Variant Classification Scheme 2023. Collection method: clinical testing. Allele origin: germline.

Labcorp Genetics (formerly Invitae), Labcorp
Classification: Uncertain significance. Last evaluated: 2022-04-19. Review status: criteria provided, single submitter. Criteria: Invitae Variant Classification Sherloc (09022015). Collection method: clinical testing. Allele origin: germline.
Comment: This sequence change replaces valine, which is neutral and non-polar, with isoleucine, which is neutral and non-polar, at codon 260 of the DHX37 protein (p.Val260Ile). This variant is present in population databases (rs573335085, gnomAD 0.01%). This variant has not been reported in the literature in individuals affected with DHX37-related conditions. Algorithms developed to predict the effect of missense changes on protein structure and function (SIFT, PolyPhen-2, Align-GVGD) all suggest that this variant is likely to be tolerated. In summary, the available evidence is currently insufficient to determine the role of this variant in disease. Therefore, it has been classified as a Variant of Uncertain Significance.

NM_032656.4(DHX37):c.778G>A (p.Val260Ile)

Gene: DHX37 (DEAH-box helicase 37; minus strand). Cytogenetic location: 12q24.31.
Variant type: single nucleotide variant.
Coding change: c.778G>A on transcript NM_032656.4 (MANE Select); coding-DNA position 778, G replaced by A.
Protein change: p.Val260Ile; replaces valine 260 with isoleucine.
Molecular consequence: missense variant.
Genome position (GRCh38, 1-based): chr12:124,977,451, C>T on the plus strand (G>A on the coding strand, the complement: DHX37 is on the minus strand). VCF-style: chr12-124977451-C-T. GRCh37 (hg19) VCF-style: chr12-125461997-C-T.
Other names: c.778G>A (NM_032656.3); short protein forms V260I.
Identifiers: ClinVar variation 2176006 (VCV002176006.5), dbSNP rs573335085, ClinGen allele CA6872341.